The following is an entry in ClinVar:

ClinVar aggregate classification (germline): Uncertain significance (1 of 4 stars; one submission).

Submission:

Labcorp Genetics (formerly Invitae), Labcorp
Classification: Uncertain significance. Last evaluated: 2022-09-07. Review status: criteria provided, single submitter. Criteria: Invitae Variant Classification Sherloc (09022015). Collection method: clinical testing. Allele origin: germline.
Comment: This variant has not been reported in the literature in individuals affected with PHIP-related conditions. This variant is not present in population databases (gnomAD no frequency). This sequence change replaces histidine, which is basic and polar, with leucine, which is neutral and non-polar, at codon 775 of the PHIP protein (p.His775Leu). In summary, the available evidence is currently insufficient to determine the role of this variant in disease. Therefore, it has been classified as a Variant of Uncertain Significance. Experimental studies and prediction algorithms are not available or were not evaluated, and the functional significance of this variant is currently unknown.

NM_017934.7(PHIP):c.2324A>T (p.His775Leu)

Gene: PHIP (PHIP subunit of CUL4-Ring ligase complex; minus strand). Cytogenetic location: 6q14.1.
Variant type: single nucleotide variant.
Coding change: c.2324A>T on transcript NM_017934.7 (MANE Select); coding-DNA position 2324, A replaced by T.
Protein change: p.His775Leu; replaces histidine 775 with leucine.
Molecular consequence: missense variant.
Genome position (GRCh38, 1-based): chr6:78,988,345, T>A on the plus strand (A>T on the coding strand, the complement: PHIP is on the minus strand). VCF-style: chr6-78988345-T-A. GRCh37 (hg19) VCF-style: chr6-79698062-T-A.
Other names: short protein forms H775L.
Identifiers: ClinVar variation 1719052 (VCV001719052.5), dbSNP rs1768994732, ClinGen allele CA364650897.